The following is an entry in ClinVar:

NM_001009944.3(PKD1):c.9656_9674del (p.Leu3219fs)

Gene: PKD1 (polycystin 1, transient receptor potential channel interacting; minus strand). Cytogenetic location: 16p13.3.
Variant type: Deletion.
Coding change: c.9656_9674del on transcript NM_001009944.3 (MANE Select); coding-DNA positions 9656 to 9674, 19 bases deleted (TTTCGGTGGAGACGGAGGC).
Protein change: p.Leu3219fs; shifts the reading frame from leucine 3219.
Molecular consequence: frameshift variant.
Genome position (GRCh38, 1-based): chr16:2,100,204-2,100,222, GCCTCCGTCTCCACCGAAA deleted on the plus strand (TTTCGGTGGAGACGGAGGC on the coding strand, the reverse complement: PKD1 is on the minus strand); deleting any 19 consecutive bases within chr16:2,100,204-2,100,225 gives the same sequence; the c. name uses the placement nearest the transcript's 3' end. VCF-style (leftmost placement, unchanged base first): chr16-2100203-GGCCTCCGTCTCCACCGAAA-G. GRCh37 (hg19) VCF-style: chr16-2150204-GGCCTCCGTCTCCACCGAAA-G.
Other names: c.9656_9674del, p.Leu3219fs (NM_000296.4); short protein forms L3219fs.
Identifiers: ClinVar variation 931760 (VCV000931760.3), dbSNP rs2092035920, ClinGen allele CA1139664435.

ClinVar aggregate classification (germline): Pathogenic (1 of 4 stars; one submission).

Conditions:
Polycystic kidney disease, adult type (PKD1). Also called: Polycystic Kidney, Autosomal Dominant; POLYCYSTIC KIDNEY DISEASE, ADULT, TYPE I; Polycystic Kidney Disease 1, Autosomal Dominant; Polycystic kidney disease 1; Polycystic kidney disease 1, severe; POLYCYSTIC KIDNEY DISEASE 1 WITH OR WITHOUT POLYCYSTIC LIVER DISEASE. Identifiers: MedGen C3149841, MONDO:0008263, OMIM 173900.

Submission:

Centre for Mendelian Genomics, University Medical Centre Ljubljana
Classification: Pathogenic for Polycystic kidney disease, adult type. Last evaluated: 2020-01-07. Review status: criteria provided, single submitter. Criteria: ACMG Guidelines, 2015. Collection method: clinical testing. Allele origin: unknown. Affected: yes.
Comment: This variant was classified as: Pathogenic. The following ACMG criteria were applied in classifying this variant: PVS1,PM2,PP4.